The following is an entry in ClinVar:

ClinVar aggregate classification (germline): Uncertain significance (1 of 4 stars; one submission).

Submission:

Labcorp Genetics (formerly Invitae), Labcorp
Classification: Uncertain significance. Last evaluated: 2024-11-06. Review status: criteria provided, single submitter. Criteria: Invitae Variant Classification Sherloc (09022015). Collection method: clinical testing. Allele origin: germline.
Comment: This sequence change replaces cysteine, which is neutral and slightly polar, with serine, which is neutral and polar, at codon 288 of the RP1 protein (p.Cys288Ser). This variant is not present in population databases (gnomAD no frequency). This variant has not been reported in the literature in individuals affected with RP1-related conditions. An algorithm developed to predict the effect of missense changes on protein structure and function outputs the following: PolyPhen-2: "Benign". The serine amino acid residue is found in multiple mammalian species, which suggests that this missense change does not adversely affect protein function. In summary, the available evidence is currently insufficient to determine the role of this variant in disease. Therefore, it has been classified as a Variant of Uncertain Significance.

NM_006269.2(RP1):c.863G>C (p.Cys288Ser)

Gene: RP1 (RP1 axonemal microtubule associated; plus strand). Cytogenetic location: 8q12.1.
Variant type: single nucleotide variant.
Coding change: c.863G>C on transcript NM_006269.2 (MANE Select); coding-DNA position 863, G replaced by C.
Protein change: p.Cys288Ser; replaces cysteine 288 with serine.
Molecular consequence: missense variant. On other transcripts: intron variant (1).
Genome position (GRCh38, 1-based): chr8:54,624,745, G>C. VCF-style: chr8-54624745-G-C. GRCh37 (hg19) VCF-style: chr8-55537305-G-C.
Other names: c.787+2457G>C (NM_001375654.1); short protein forms C288S.
Identifiers: ClinVar variation 3724797 (VCV003724797.2).
Genomic context (GRCh38, chr8:54,624,745, plus strand): 5'-CTTCAAGCTCAAGGTCCCAGATTTATTCTGTTTCTTCTGAGAAAACACATAATAATGATT[G>C]CTACTTAGACTATTCTTTTGTTCCTGAAAAGTACTTGGCCTTAGAAAAGAATGATTCTCA-3'
Protein context (NP_006260.1, residues 278-298): VSSEKTHNND[Cys288Ser]YLDYSFVPEK